The following is an entry in ClinVar:

NM_001372044.2(SHANK3):c.2421C>T (p.Asp807=)

Gene: SHANK3 (SH3 and multiple ankyrin repeat domains 3; plus strand). Cytogenetic location: 22q13.33.
Variant type: single nucleotide variant.
Coding change: c.2421C>T on transcript NM_001372044.2 (MANE Select); coding-DNA position 2421, C replaced by T.
Protein change: p.Asp807=; no amino-acid change (aspartic acid 807 retained).
Molecular consequence: synonymous variant.
Genome position (GRCh38, 1-based): chr22:50,714,978, C>T. VCF-style: chr22-50714978-C-T. GRCh37 (hg19) VCF-style: chr22-51153406-C-T.
Other names: c.2196C>T, p.Asp732= (NM_033517.1).
Identifiers: ClinVar variation 3025768 (VCV003025768.23), dbSNP rs372806738, ClinGen allele CA10325843.

ClinVar aggregate classification (germline): Likely benign. Review status: criteria provided, multiple submitters, no conflicts (2 of 4 stars). 2 submissions from 2 submitters: Likely benign (2). Last evaluated 2024-02-01.

Allele frequency attached by ClinVar (database versions not stated): ESP Exome Variant Server 0.00015; ExAC 0.00003; gnomAD 0.00003; gnomAD exomes 0.00004; TOPMed 0.00005.

Submissions (2):

CeGaT Center for Human Genetics Tuebingen
Classification: Likely benign. Last evaluated: 2024-02-01. Review status: criteria provided, single submitter. Criteria: CeGaT Center For Human Genetics Tuebingen Variant Classification Criteria Version 2. Collection method: clinical testing. Allele origin: germline. Affected: yes. Observed: 1 variant allele.
Comment: SHANK3: BP4, BP7

Blueprint Genetics
Classification: Likely benign. Last evaluated: 2023-09-20. Review status: criteria provided, single submitter. Criteria: ACMG Guidelines, 2015. Collection method: clinical testing. Allele origin: germline.